The following is an entry in ClinVar:

NM_032977.4(CASP10):c.585G>T (p.Gln195His)

Gene: CASP10 (caspase 10; plus strand). Cytogenetic location: 2q33.1.
Variant type: single nucleotide variant.
Coding change: c.585G>T on transcript NM_032977.4 (MANE Select); coding-DNA position 585, G replaced by T.
Protein change: p.Gln195His; replaces glutamine 195 with histidine.
Molecular consequence: missense variant.
Genome position (GRCh38, 1-based): chr2:201,195,849, G>T. VCF-style: chr2-201195849-G-T. GRCh37 (hg19) VCF-style: chr2-202060572-G-T.
Other names: c.585G>T, p.Gln195His (NM_001206524.2, NM_001206542.2, NM_001230.5 and 3 more transcripts); short protein forms Q195H.
Identifiers: ClinVar variation 3751596 (VCV003751596.2).
Genomic context (GRCh38, chr2:201,195,849, plus strand): 5'-TGCTGCTAGTCAGAAGGTGATTTTTATTTTTCTGTCTGTGATTTTATTTTCAGCTATCCA[G>T]ATAGTGACACCTCCTGTAGACAAGGAAGCCGAGTCGTATCAAGGAGAGGAAGAACTAGTT-3'
Protein context (NP_116759.2, residues 185-205): IEKYKREKAI[Gln195His]IVTPPVDKEA

ClinVar aggregate classification (germline): Uncertain significance (1 of 4 stars; one submission).

Conditions:
Autoimmune lymphoproliferative syndrome type 2A (ALPS2A). Also called: CASP10-Related Autoimmune Lymphoproliferative Syndrome; AUTOIMMUNE LYMPHOPROLIFERATIVE SYNDROME, TYPE IIA; Autoimmune lymphoproliferative syndrome type 2. Identifiers: Orphanet 3261, MedGen C1858968, MONDO:0011383, OMIM 603909.

Submission:

Labcorp Genetics (formerly Invitae), Labcorp
Classification: Uncertain significance for Autoimmune lymphoproliferative syndrome type 2A. Last evaluated: 2024-05-12. Review status: criteria provided, single submitter. Criteria: Invitae Variant Classification Sherloc (09022015). Collection method: clinical testing. Allele origin: germline.
Comment: This sequence change replaces glutamine, which is neutral and polar, with histidine, which is basic and polar, at codon 195 of the CASP10 protein (p.Gln195His). This variant is not present in population databases (gnomAD no frequency). This variant has not been reported in the literature in individuals affected with CASP10-related conditions. Advanced modeling of protein sequence and biophysical properties (such as structural, functional, and spatial information, amino acid conservation, physicochemical variation, residue mobility, and thermodynamic stability) performed at Invitae indicates that this missense variant is not expected to disrupt CASP10 protein function with a negative predictive value of 80%. In summary, the available evidence is currently insufficient to determine the role of this variant in disease. Therefore, it has been classified as a Variant of Uncertain Significance.